The following is an entry in ClinVar:

ClinVar aggregate classification (germline): Conflicting classifications of pathogenicity. Review status: criteria provided, conflicting classifications (1 of 4 stars). 9 submissions from 9 submitters: Uncertain significance (5); Likely benign (2). 2 of the submissions do not count toward it. Last evaluated 2025-07-15.

Conditions:
Hereditary breast ovarian cancer syndrome. Also called: Breast and ovarian cancer; Hereditary breast and ovarian cancer; Hereditary breast and ovarian cancer syndrome; BRCA1- and BRCA2-Associated Hereditary Breast and Ovarian Cancer; Hereditary breast and ovarian cancer syndrome (HBOC); Hereditary breast and/or ovarian cancer syndrome. Identifiers: Orphanet 145, MedGen C0677776, MeSH D061325, MONDO:0003582. Disease mechanism: loss of function.
Hereditary cancer-predisposing syndrome. Also called: Tumor predisposition; Hereditary Cancer Syndrome; Neoplastic Syndromes, Hereditary; Hereditary neoplastic syndrome. Identifiers: Orphanet 140162, MedGen C0027672, MeSH D009386, MONDO:0015356.
Breast-ovarian cancer, familial, susceptibility to, 2 (BROVCA2). Also called: BRCA2 Hereditary Breast and Ovarian Cancer. Identifiers: Orphanet 145, MedGen C2675520, MONDO:0012933, OMIM 612555. Disease mechanism: loss of function.

Allele frequency attached by ClinVar (database versions not stated): gnomAD exomes below 0.00001; TOPMed below 0.00001; gnomAD 0.00001.
gnomAD v4.1: 3 of 1,613,826 alleles (0.00019%); highest among the groups gnomAD compares: African/African-American, 0.0013%; no homozygotes.

Submissions (9):

Labcorp Genetics (formerly Invitae), Labcorp
Classification: Uncertain significance for Hereditary breast ovarian cancer syndrome. Last evaluated: 2025-07-15. Review status: criteria provided, single submitter. Criteria: Invitae Variant Classification Sherloc (09022015). Collection method: clinical testing. Allele origin: germline.
Comment: This sequence change replaces isoleucine, which is neutral and non-polar, with threonine, which is neutral and polar, at codon 2269 of the BRCA2 protein (p.Ile2269Thr). This variant is present in population databases (rs398122564, gnomAD 0.0009%). This missense change has been observed in individual(s) with personal or family history of hereditary breast and/or ovarian cancer (PMID: 31409081). ClinVar contains an entry for this variant (Variation ID: 91456). Invitae Evidence Modeling of protein sequence and biophysical properties (such as structural, functional, and spatial information, amino acid conservation, physicochemical variation, residue mobility, and thermodynamic stability) indicates that this missense variant is not expected to disrupt BRCA2 protein function with a negative predictive value of 95%. In summary, the available evidence is currently insufficient to determine the role of this variant in disease. Therefore, it has been classified as a Variant of Uncertain Significance.

Color Diagnostics, LLC DBA Color Health
Classification: Uncertain significance for Hereditary cancer-predisposing syndrome. Last evaluated: 2025-05-27. Review status: criteria provided, single submitter. Criteria: ACMG Guidelines, 2015. Collection method: clinical testing. Allele origin: germline.
Comment: This missense variant replaces isoleucine with threonine at codon 2269 of the BRCA2 protein. Computational prediction suggests that this variant may not impact protein structure and function. To our knowledge, functional studies have not been reported for this variant. This variant has been reported in 2 individuals affected with breast cancer (PMID: 33471991Leiden Open Variation Database DB-ID BRCA2_000713). This variant has been identified in 1/250510 chromosomes in the general population by the Genome Aggregation Database (gnomAD). The available evidence is insufficient to determine the role of this variant in disease conclusively. Therefore, this variant is classified as a Variant of Uncertain Significance.

ARUP Laboratories, Molecular Genetics and Genomics, ARUP Laboratories
Classification: Uncertain significance. Last evaluated: 2024-03-08. Review status: criteria provided, single submitter. Criteria: ARUP Molecular Germline Variant Investigation Process 2024. Collection method: clinical testing. Allele origin: germline.
Comment: The BRCA2 c.6806T>C; p.Ile2269Thr variant (rs398122564) is reported in ClinVar (Variation ID: 91456). It is only found on one allele in the Genome Aggregation Database (v3.1.2). Computational analyses predict that this variant is neutral (BayesDel: -0.398825). Due to limited information, the clinical significance of this variant is uncertain at this time.

University of Washington Department of Laboratory Medicine, University of Washington
Classification: Likely benign for Hereditary cancer-predisposing syndrome. Last evaluated: 2023-03-23. Review status: criteria provided, single submitter. Criteria: Dines et al. (Genet Med. 2020). Collection method: curation. Allele origin: germline.
Comment: Missense variant in a coldspot region where missense variants are very unlikely to be pathogenic (PMID:31911673).

BRCA2 exon 11 coldspot. Reclassification based on statistical prior probability.

GeneDx
Classification: Uncertain significance. Last evaluated: 2022-12-06. Review status: criteria provided, single submitter. Criteria: GeneDx Variant Classification Process June 2021. Collection method: clinical testing. Allele origin: germline. Affected: yes.
Comment: Not observed at significant frequency in large population cohorts (gnomAD); In silico analysis, which includes protein predictors and evolutionary conservation, supports that this variant does not alter protein structure/function; Observed in individuals with a personal and/or family history of BRCA2-related cancers (Machackova et al., 2019); Also known as 7034T>C; This variant is associated with the following publications: (PMID: 31409081, 29884841, 32377563)

Women's Health and Genetics/Laboratory Corporation of America, LabCorp
Classification: Uncertain significance. Last evaluated: 2021-05-29. Review status: criteria provided, single submitter. Criteria: LabCorp Variant Classification Summary - May 2015. Collection method: clinical testing. Allele origin: germline.
Comment: Variant summary: BRCA2 c.6806T>C (p.Ile2269Thr) results in a non-conservative amino acid change in the encoded protein sequence. Four of five in-silico tools predict a benign effect of the variant on protein function. The variant allele was found at a frequency of 4e-06 in 250510 control chromosomes. The available data on variant occurrences in the general population are insufficient to allow any conclusion about variant significance. c.6806T>C has been reported in the literature as a likely benign variant in at-least one study of Czech patients with breast cancer (example, Machakova_2019). This report does not provide unequivocal conclusions about association of the variant with Hereditary Breast And Ovarian Cancer Syndrome. To our knowledge, no experimental evidence demonstrating an impact on protein function has been reported. Four clinical diagnostic laboratories have submitted clinical-significance assessments for this variant to ClinVar after 2014 without evidence for independent evaluation. Multiple laboratories reported the variant with conflicting assessments (likely benign, n=2; VUS, n=2). Based on the evidence outlined above, the variant was classified as uncertain significance.

Ambry Genetics
Classification: Likely benign for Hereditary cancer-predisposing syndrome. Last evaluated: 2017-12-08. Review status: criteria provided, single submitter. Criteria: Ambry Variant Classification Scheme 2023. Collection method: clinical testing. Allele origin: germline.

Counsyl
Classification: Uncertain significance for Breast-ovarian cancer, familial, susceptibility to, 2. Last evaluated: 2017-04-04. Review status: no assertion criteria provided. Collection method: clinical testing. Allele origin: unknown. Not counted in ClinVar's aggregate classification.

Sharing Clinical Reports Project (SCRP)
Classification: Uncertain significance for Breast-ovarian cancer, familial 2. Last evaluated: 2011-10-26. Review status: no assertion criteria provided. Collection method: clinical testing. Allele origin: germline. Not counted in ClinVar's aggregate classification.

Literature cited by the submitters: PubMed 31409081 (cited by Labcorp Genetics (formerly Invitae), Labcorp and Women's Health and Genetics/Laboratory Corporation of America, LabCorp); PubMed 33471991 (cited by Color Diagnostics, LLC DBA Color Health).

NM_000059.4(BRCA2):c.6806T>C (p.Ile2269Thr)

Gene: BRCA2 (BRCA2 DNA repair associated; plus strand). Cytogenetic location: 13q13.1.
Variant type: single nucleotide variant.
Coding change: c.6806T>C on transcript NM_000059.4 (MANE Select); coding-DNA position 6806, T replaced by C.
Protein change: p.Ile2269Thr; replaces isoleucine 2269 with threonine.
Molecular consequence: missense variant.
Genome position (GRCh38, 1-based): chr13:32,341,161, T>C. VCF-style: chr13-32341161-T-C. GRCh37 (hg19) VCF-style: chr13-32915298-T-C.
Other names: 7034T>C; short protein forms I2269T.
Identifiers: ClinVar variation 91456 (VCV000091456.25), dbSNP rs398122564, ClinGen allele CA024420.